The following is an entry in ClinVar:

ClinVar aggregate classification (germline): Likely benign (1 of 4 stars; one submission).

Allele frequency attached by ClinVar (database versions not stated): gnomAD 0.00001; gnomAD exomes 0.00001; ExAC 0.00002; TOPMed 0.00002.
gnomAD v4.1: 14 of 1,608,498 alleles (0.00087%); highest among the groups gnomAD compares: East Asian, 0.0089%; no homozygotes.

Submission:

CeGaT Center for Human Genetics Tuebingen
Classification: Likely benign. Last evaluated: 2023-03-01. Review status: criteria provided, single submitter. Criteria: CeGaT Center For Human Genetics Tuebingen Variant Classification Criteria Version 2. Collection method: clinical testing. Allele origin: germline. Affected: yes. Observed: 1 variant allele.
Comment: PACS2: BS2

NM_001100913.3(PACS2):c.1673C>T (p.Ala558Val)

Gene: PACS2 (phosphofurin acidic cluster sorting protein 2; plus strand). Cytogenetic location: 14q32.33.
Variant type: single nucleotide variant.
Coding change: c.1673C>T on transcript NM_001100913.3 (MANE Select); coding-DNA position 1673, C replaced by T.
Protein change: p.Ala558Val; replaces alanine 558 with valine.
Molecular consequence: missense variant.
Genome position (GRCh38, 1-based): chr14:105,383,406, C>T. VCF-style: chr14-105383406-C-T. GRCh37 (hg19) VCF-style: chr14-105849743-C-T.
Other names: c.1436C>T, p.Ala479Val (NM_001243127.3); c.1661C>T, p.Ala554Val (NM_015197.4); short protein forms A479V, A554V, A558V.
Identifiers: ClinVar variation 2498600 (VCV002498600.28), dbSNP rs782650153, ClinGen allele CA7388956.